The following is an entry in ClinVar:

ClinVar aggregate classification (germline): Likely pathogenic. Review status: criteria provided, single submitter (1 of 4 stars). 2 submissions from 2 submitters: Likely pathogenic (1). 1 of the submissions does not count toward it. Last evaluated 2023-04-15.

Conditions:
Fanconi anemia (FA). Also called: Fanconi's anemia. Identifiers: Orphanet 84, MedGen C0015625, MeSH D005199, MONDO:0019391.
Fanconi anemia complementation group C (FANCC). Also called: Fanconi anemia, group C; FANCC-Related Fanconi Anemia; FANCONI PANCYTOPENIA, TYPE 3; FACC. Identifiers: Orphanet 84, MedGen C3468041, MONDO:0009213, OMIM 227645.

Allele frequency attached by ClinVar (database versions not stated): gnomAD exomes below 0.00001; TOPMed below 0.00001; gnomAD 0.00001.
gnomAD v4.1: 3 of 1,612,188 alleles (0.00019%); highest among the groups gnomAD compares: African/African-American, 0.004%; no homozygotes.

Submissions (2):

Labcorp Genetics (formerly Invitae), Labcorp
Classification: Likely pathogenic for Fanconi anemia. Last evaluated: 2023-04-15. Review status: criteria provided, single submitter. Criteria: Invitae Variant Classification Sherloc (09022015). Collection method: clinical testing. Allele origin: germline.
Comment: This variant is not present in population databases (gnomAD no frequency). This sequence change affects a donor splice site in intron 13 of the FANCC gene. It is expected to disrupt RNA splicing. Variants that disrupt the donor or acceptor splice site typically lead to a loss of protein function (PMID: 16199547), and loss-of-function variants in FANCC are known to be pathogenic (PMID: 17924555). This variant has not been reported in the literature in individuals affected with FANCC-related conditions. ClinVar contains an entry for this variant (Variation ID: 456155). Algorithms developed to predict the effect of sequence changes on RNA splicing suggest that this variant may disrupt the consensus splice site. In summary, the currently available evidence indicates that the variant is pathogenic, but additional data are needed to prove that conclusively. Therefore, this variant has been classified as Likely Pathogenic.

Baylor Genetics
Classification: Likely pathogenic for Fanconi anemia complementation group C. Review status: no assertion criteria provided. Collection method: clinical testing. Allele origin: unknown. Not counted in ClinVar's aggregate classification.

Literature cited by the submitters: PubMed 16199547 (cited by Labcorp Genetics (formerly Invitae), Labcorp); PubMed 17924555 (cited by Labcorp Genetics (formerly Invitae), Labcorp).

NM_000136.3(FANCC):c.1329+1G>T

Genes: AOPEP (aminopeptidase O (putative); plus strand), FANCC (FA complementation group C; minus strand). Cytogenetic location: 9q22.32.
Variant type: single nucleotide variant.
Coding change: c.1329+1G>T on transcript NM_000136.3 (MANE Select); the canonical splice donor site of the intron after coding-DNA position 1329, G replaced by T.
Molecular consequence: splice donor variant.
Genome position (GRCh38, 1-based): chr9:95,111,462, C>A on the plus strand (G>T on the coding strand, the complement: FANCC is on the minus strand). VCF-style: chr9-95111462-C-A. GRCh37 (hg19) VCF-style: chr9-97873744-C-A.
Other names: c.1329+1G>T (NM_001243743.2, NM_001243744.2).
Identifiers: ClinVar variation 456155 (VCV000456155.10), dbSNP rs1554829441, ClinGen allele CA374107215.
Genomic context (GRCh38, chr9:95,111,462, plus strand): 5'-CAAGCTCCTCTCAGCCCCCCAGAGCCCACCCCAAACACATGCAGTGGGGCCTGCTACCCA[C>A]CATAGTCTGTGCTCTCTGCTGCCTCCCATCACGGGGGCCGTAGTAGAAGGCCAAGAGCCA-3'